The following is an entry in ClinVar:

NM_000143.4(FH):c.668A>G (p.Lys223Arg)

Gene: FH (fumarate hydratase; minus strand). Cytogenetic location: 1q43.
Variant type: single nucleotide variant.
Coding change: c.668A>G on transcript NM_000143.4 (MANE Select); coding-DNA position 668, A replaced by G.
Protein change: p.Lys223Arg; replaces lysine 223 with arginine.
Molecular consequence: missense variant.
Genome position (GRCh38, 1-based): chr1:241,508,673, T>C on the plus strand (A>G on the coding strand, the complement: FH is on the minus strand). VCF-style: chr1-241508673-T-C. GRCh37 (hg19) VCF-style: chr1-241671973-T-C.
Other names: short protein forms K223R.
Identifiers: ClinVar variation 1472598 (VCV001472598.8), dbSNP rs1064795294, ClinGen allele CA345439281.

ClinVar aggregate classification (germline): Uncertain significance (1 of 4 stars; one submission).

Submission:

Labcorp Genetics (formerly Invitae), Labcorp
Classification: Uncertain significance. Last evaluated: 2023-10-05. Review status: criteria provided, single submitter. Criteria: Invitae Variant Classification Sherloc (09022015). Collection method: clinical testing. Allele origin: germline.
Comment: This sequence change replaces lysine, which is basic and polar, with arginine, which is basic and polar, at codon 223 of the FH protein (p.Lys223Arg). This variant is not present in population databases (gnomAD no frequency). This variant has not been reported in the literature in individuals affected with FH-related conditions. ClinVar contains an entry for this variant (Variation ID: 1472598). Advanced modeling of protein sequence and biophysical properties (such as structural, functional, and spatial information, amino acid conservation, physicochemical variation, residue mobility, and thermodynamic stability) performed at Invitae indicates that this missense variant is not expected to disrupt FH protein function. In summary, the available evidence is currently insufficient to determine the role of this variant in disease. Therefore, it has been classified as a Variant of Uncertain Significance.